The following is an entry in ClinVar:

ClinVar aggregate classification (germline): Likely pathogenic (1 of 4 stars; one submission).

Conditions:
Gaucher disease. Also called: Acute cerebral Gaucher disease; Cerebroside lipidosis syndrome; Gaucher splenomegaly; Sphingolipidosis 1; Glucocerebrosidosis; Glucosylceramidase deficiency. Identifiers: Orphanet 355, MedGen C0017205, MONDO:0018150.

Submission:

Natera, Inc.
Classification: Likely pathogenic for Gaucher disease. Last evaluated: 2024-12-23. Review status: criteria provided, single submitter. Criteria: Natera Variant Classification Schema (03/2026). Collection method: clinical testing. Allele origin: germline.
Comment: The c.1568C>G variant in GBA1 is a nonsense variant predicted to introduce a stop codon at amino acid 523. This variant is expected to result in nonsense mediated decay, truncation, or a dysfunctional protein product. This variant is rare in the general population with a frequency below the threshold expected for the associated phenotype(s). Given the available evidence, this variant is classified as Likely Pathogenic.

NM_000157.4(GBA1):c.1568C>G (p.Ser523Ter)

Genes: GBA1 (glucosylceramidase beta 1; minus strand), LOC106627981 (GBA recombination region; plus strand). Cytogenetic location: 1q22.
Variant type: single nucleotide variant.
Coding change: c.1568C>G on transcript NM_000157.4 (MANE Select); coding-DNA position 1568, C replaced by G.
Protein change: p.Ser523Ter; replaces serine 523 with a stop codon.
Molecular consequence: nonsense.
Genome position (GRCh38, 1-based): chr1:155,235,038, G>C on the plus strand (C>G on the coding strand, the complement: GBA1 is on the minus strand). VCF-style: chr1-155235038-G-C. GRCh37 (hg19) VCF-style: chr1-155204829-G-C.
Other names: c.1568C>G, p.Ser523Ter (NM_001005741.3, NM_001005742.3); c.1307C>G, p.Ser436Ter (NM_001171811.2); c.1421C>G, p.Ser474Ter (NM_001171812.2); short protein forms S436*, S474*, S523*.
Identifiers: ClinVar variation 4817740 (VCV004817740.1).